The following is an entry in ClinVar:

NM_000088.4(COL1A1):c.3790A>T (p.Met1264Leu)

Gene: COL1A1 (collagen type I alpha 1 chain; minus strand). Cytogenetic location: 17q21.33.
Variant type: single nucleotide variant.
Coding change: c.3790A>T on transcript NM_000088.4 (MANE Select); coding-DNA position 3790, A replaced by T.
Protein change: p.Met1264Leu; replaces methionine 1264 with leucine.
Molecular consequence: missense variant.
Genome position (GRCh38, 1-based): chr17:50,186,664, T>A on the plus strand (A>T on the coding strand, the complement: COL1A1 is on the minus strand). VCF-style: chr17-50186664-T-A. GRCh37 (hg19) VCF-style: chr17-48264025-T-A.
Other names: short protein forms M1264L.
Identifiers: ClinVar variation 4853508 (VCV004853508.1).

ClinVar aggregate classification (germline): Uncertain significance (1 of 4 stars; one submission).

Submission:

Women's Health and Genetics/Laboratory Corporation of America, LabCorp
Classification: Uncertain significance. Last evaluated: 2026-05-06. Review status: criteria provided, single submitter. Criteria: LabCorp Variant Classification Summary - May 2015. Collection method: clinical testing. Allele origin: germline.
Comment: Variant summary: COL1A1 c.3790A>T (p.Met1264Leu) results in a conservative amino acid change in the encoded protein sequence. Algorithms developed to predict the effect of missense changes on protein structure and function are either unavailable or do not agree on the potential impact of this missense change. The variant was absent in 250774 control chromosomes. The available data on variant occurrences in the general population are insufficient to allow any conclusion about variant significance. To our knowledge, no occurrence of c.3790A>T in individuals affected with COL1A1-related conditions and no experimental evidence demonstrating its impact on protein function have been reported. No submitters have cited clinical-significance assessments for this variant to ClinVar. Based on the evidence outlined above, the variant was classified as uncertain significance.